The following is an entry in ClinVar:

NM_032237.5(POMK):c.626C>T (p.Pro209Leu)

Gene: POMK (protein O-mannose kinase; plus strand). Cytogenetic location: 8p11.21.
Variant type: single nucleotide variant.
Coding change: c.626C>T on transcript NM_032237.5 (MANE Select); coding-DNA position 626, C replaced by T.
Protein change: p.Pro209Leu; replaces proline 209 with leucine.
Molecular consequence: missense variant.
Genome position (GRCh38, 1-based): chr8:43,122,450, C>T. VCF-style: chr8-43122450-C-T. GRCh37 (hg19) VCF-style: chr8-42977593-C-T.
Other names: c.626C>T, p.Pro209Leu (NM_001277971.2); short protein forms P209L.
Identifiers: ClinVar variation 541240 (VCV000541240.9), dbSNP rs369093146, ClinGen allele CA4736326.

ClinVar aggregate classification (germline): Uncertain significance. Review status: criteria provided, multiple submitters, no conflicts (2 of 4 stars). 2 submissions from 2 submitters: Uncertain significance (2). Last evaluated 2023-12-07.

Conditions:
Muscular dystrophy-dystroglycanopathy (congenital with brain and eye anomalies), type a, 12 (MDDGA12). Also called: WALKER-WARBURG SYNDROME OR MUSCLE-EYE-BRAIN DISEASE, POMK-RELATED. Identifiers: Orphanet 899, MedGen C3808964, MONDO:0014101, OMIM 615249.
Limb-girdle muscular dystrophy due to POMK deficiency. Also called: MUSCULAR DYSTROPHY-DYSTROGLYCANOPATHY, LIMB-GIRDLE, POMK-RELATED; Muscular dystrophy-dystroglycanopathy (limb-girdle), type c, 12. Identifiers: Orphanet 445110, MedGen C4015184, MONDO:0014489, OMIM 616094.

Allele frequency attached by ClinVar (database versions not stated): ExAC 0.00007; gnomAD 0.00008 and 0.00010; gnomAD exomes 0.00010 and 0.00012; TOPMed 0.00010; ESP Exome Variant Server 0.00015.
gnomAD v4.1: 191 of 1,613,984 alleles (0.012%); highest among the groups gnomAD compares: Admixed American, 0.015%; no homozygotes.

Submissions (2):

Labcorp Genetics (formerly Invitae), Labcorp
Classification: Uncertain significance for Muscular dystrophy-dystroglycanopathy (congenital with brain and eye anomalies), type a, 12; Limb-girdle muscular dystrophy due to POMK deficiency. Last evaluated: 2023-12-07. Review status: criteria provided, single submitter. Criteria: Invitae Variant Classification Sherloc (09022015). Collection method: clinical testing. Allele origin: germline.
Comment: This sequence change replaces proline, which is neutral and non-polar, with leucine, which is neutral and non-polar, at codon 209 of the POMK protein (p.Pro209Leu). This variant is present in population databases (rs369093146, gnomAD 0.02%). This variant has not been reported in the literature in individuals affected with POMK-related conditions. ClinVar contains an entry for this variant (Variation ID: 541240). Advanced modeling of protein sequence and biophysical properties (such as structural, functional, and spatial information, amino acid conservation, physicochemical variation, residue mobility, and thermodynamic stability) performed at Invitae indicates that this missense variant is not expected to disrupt POMK protein function with a negative predictive value of 80%. In summary, the available evidence is currently insufficient to determine the role of this variant in disease. Therefore, it has been classified as a Variant of Uncertain Significance.

Revvity Omics, Revvity
Classification: Uncertain significance. Last evaluated: 2019-08-22. Review status: criteria provided, single submitter. Criteria: ACMG Guidelines, 2015. Collection method: clinical testing. Allele origin: germline.